The following is an entry in ClinVar:

ClinVar aggregate classification (germline): Conflicting classifications of pathogenicity. Review status: criteria provided, conflicting classifications (1 of 4 stars). 2 submissions from 2 submitters: Likely pathogenic (1); Uncertain significance (1). Last evaluated 2023-09-21.

Conditions:
Familial hemophagocytic lymphohistiocytosis 5. Also called: STXBP2-Related Familial Hemophagocytic Lymphohistiocytosis (STXBP2-fHLH). Identifiers: Orphanet 540, MedGen C2751293, MONDO:0013135, OMIM 613101.
STXBP2-related disorder. Also called: STXBP2-related condition.

Allele frequency attached by ClinVar (database versions not stated): gnomAD exomes below 0.00001.
gnomAD v4.1: 2 of 1,612,550 alleles (0.00012%); highest among the groups gnomAD compares: African/African-American, 0.0027%; no homozygotes.

Submissions (2):

PreventionGenetics, part of Exact Sciences
Classification: Uncertain significance for STXBP2-related condition. Last evaluated: 2023-09-21. Review status: criteria provided, single submitter. Criteria: ACMG Guidelines, 2015. Collection method: clinical testing. Allele origin: germline.
Comment: The STXBP2 c.1115C>A variant is predicted to result in the amino acid substitution p.Ala372Asp. To our knowledge, this variant has not been reported in the literature. This variant is reported in 0.0062% of alleles in individuals of African descent in gnomAD. At this time, the clinical significance of this variant is uncertain due to the absence of conclusive functional and genetic evidence.

Mendelics
Classification: Likely pathogenic for Familial hemophagocytic lymphohistiocytosis 5. Last evaluated: 2022-05-04. Review status: criteria provided, single submitter. Criteria: Mendelics Assertion Criteria 2019. Collection method: clinical testing. Allele origin: germline.

NM_006949.4(STXBP2):c.1115C>A (p.Ala372Asp)

Gene: STXBP2 (syntaxin binding protein 2; plus strand). Cytogenetic location: 19p13.2.
Variant type: single nucleotide variant.
Coding change: c.1115C>A on transcript NM_006949.4 (MANE Select); coding-DNA position 1115, C replaced by A.
Protein change: p.Ala372Asp; replaces alanine 372 with aspartic acid.
Molecular consequence: missense variant. On other transcripts: non-coding transcript variant (1).
Genome position (GRCh38, 1-based): chr19:7,644,621, C>A. VCF-style: chr19-7644621-C-A. GRCh37 (hg19) VCF-style: chr19-7709507-C-A.
Other names: c.1106C>A, p.Ala369Asp (NM_001127396.3); c.1148C>A, p.Ala383Asp (NM_001272034.2); c.1115C>A (NM_006949.3); short protein forms A369D, A372D, A383D.
Identifiers: ClinVar variation 1685456 (VCV001685456.2), dbSNP rs1434458616, ClinGen allele CA403160999.
Genomic context (GRCh38, chr19:7,644,621, plus strand): 5'-ATCCCCTTCCCTGACACATAGCGGCCGGTGGACGGCTGACCCCATGCCCGCAGGACCTGG[C>A]CATGGGCTCCGACGCAGAGGGGGAGAAGATCAAGGACTCCATGAAGCTGATCGTTCCGGT-3'
Protein context (NP_008880.2, residues 362-382): EKLCSVEQDL[Ala372Asp]MGSDAEGEKI